The following is an entry in ClinVar:

ClinVar aggregate classification (germline): Likely benign. Review status: criteria provided, multiple submitters, no conflicts (2 of 4 stars). 2 submissions from 2 submitters: Likely benign (2). Last evaluated 2025-03-10.

Conditions:
TTC21B-related disorder. Also called: TTC21B-related disorders; TTC21B-related condition.
Nephronophthisis. Also called: Juvenile Nephronophthisis. Identifiers: Orphanet 655, MedGen C0687120, MONDO:0019005, HP:0000090.
Jeune thoracic dystrophy. Also called: Jeune syndrome; Infantile thoracic dystrophy; Thoracic pelvic phalangeal dystrophy; Jeune's syndrome; Chondroectodermal dysplasia-like syndrome; Short-rib thoracic dysplasia. Identifiers: Orphanet 474, MedGen C0265275, MONDO:0018770.

Allele frequency attached by ClinVar (database versions not stated): gnomAD exomes below 0.00001; TOPMed 0.00002.
gnomAD v4.1: 3 of 1,613,582 alleles (0.00019%); highest among the groups gnomAD compares: Non-Finnish European, 0.00017%; no homozygotes.

Submissions (2):

PreventionGenetics, part of Exact Sciences
Classification: Likely benign for TTC21B-related condition. Last evaluated: 2025-03-10. Review status: criteria provided, single submitter. Criteria: ACMG Guidelines, 2015. Collection method: clinical testing. Allele origin: germline.
Comment: This variant is classified as likely benign based on ACMG/AMP sequence variant interpretation guidelines (Richards et al. 2015 PMID: 25741868, with internal and published modifications).

Labcorp Genetics (formerly Invitae), Labcorp
Classification: Likely benign for Jeune thoracic dystrophy; Nephronophthisis. Last evaluated: 2024-09-27. Review status: criteria provided, single submitter. Criteria: Invitae Variant Classification Sherloc (09022015). Collection method: clinical testing. Allele origin: germline.

NM_024753.5(TTC21B):c.3804A>G (p.Val1268=)

Gene: TTC21B (tetratricopeptide repeat domain 21B; minus strand). Cytogenetic location: 2q24.3.
Variant type: single nucleotide variant.
Coding change: c.3804A>G on transcript NM_024753.5 (MANE Select); coding-DNA position 3804, A replaced by G.
Protein change: p.Val1268=; no amino-acid change (valine 1268 retained).
Molecular consequence: synonymous variant.
Genome position (GRCh38, 1-based): chr2:165,880,680, T>C on the plus strand (A>G on the coding strand, the complement: TTC21B is on the minus strand). VCF-style: chr2-165880680-T-C. GRCh37 (hg19) VCF-style: chr2-166737190-T-C.
Other names: c.3804A>G (NM_024753.4).
Identifiers: ClinVar variation 1053363 (VCV001053363.10), dbSNP rs1684806310, ClinGen allele CA429892742.
Genomic context (GRCh38, chr2:165,880,680, plus strand): 5'-AAAATTAATAAATACAACATAATTTTTCTGTGAAAAATCTAGGTGATTGCCAAACTCACC[T>C]ACTGCCGGATTTGTCCGATTGCTATATTTCCATGCCATCTCATAGTTCAAGGCAGCATCT-3'
Protein context (NP_079029.3, residues 1258-1278): WKYSNRTNPA[Val1268=]GYKLAFNYLK